The following is an entry in ClinVar:

ClinVar aggregate classification (germline): Uncertain significance (1 of 4 stars; one submission).

Allele frequency attached by ClinVar (database versions not stated): ExAC 0.00001.

Submission:

GeneDx
Classification: Uncertain significance. Last evaluated: 2022-12-16. Review status: criteria provided, single submitter. Criteria: GeneDx Variant Classification Process June 2021. Collection method: clinical testing. Allele origin: germline. Affected: yes.
Comment: Not observed at significant frequency in large population cohorts (gnomAD); In silico analysis supports that this missense variant has a deleterious effect on protein structure/function; Has not been previously published as pathogenic or benign to our knowledge

NM_013275.6(ANKRD11):c.6097G>T (p.Gly2033Trp)

Gene: ANKRD11 (ankyrin repeat domain containing 11; minus strand). Cytogenetic location: 16q24.3.
Variant type: single nucleotide variant.
Coding change: c.6097G>T on transcript NM_013275.6 (MANE Select); coding-DNA position 6097, G replaced by T.
Protein change: p.Gly2033Trp; replaces glycine 2033 with tryptophan.
Molecular consequence: missense variant.
Genome position (GRCh38, 1-based): chr16:89,280,445, C>A on the plus strand (G>T on the coding strand, the complement: ANKRD11 is on the minus strand). VCF-style: chr16-89280445-C-A. GRCh37 (hg19) VCF-style: chr16-89346853-C-A.
Other names: c.6097G>T, p.Gly2033Trp (NM_001256182.2, NM_001256183.2); short protein forms G2033W.
Identifiers: ClinVar variation 2505789 (VCV002505789.1), dbSNP rs779372391, ClinGen allele CA8241591.